The following is an entry in ClinVar:

ClinVar aggregate classification (germline): Uncertain significance (1 of 4 stars; one submission).

Conditions:
Congenital myasthenic syndrome 2A. Also called: Myasthenic syndrome, congenital, 2a, slow-channel. Identifiers: Orphanet 590, MedGen C4225374, MONDO:0014581, OMIM 616313.

Submission:

Labcorp Genetics (formerly Invitae), Labcorp
Classification: Uncertain significance for Congenital myasthenic syndrome 2A. Last evaluated: 2024-05-01. Review status: criteria provided, single submitter. Criteria: Invitae Variant Classification Sherloc (09022015). Collection method: clinical testing. Allele origin: germline.
Comment: This sequence change replaces threonine, which is neutral and polar, with arginine, which is basic and polar, at codon 104 of the CHRNB1 protein (p.Thr104Arg). This variant is not present in population databases (gnomAD no frequency). This variant has not been reported in the literature in individuals affected with CHRNB1-related conditions. Advanced modeling of protein sequence and biophysical properties (such as structural, functional, and spatial information, amino acid conservation, physicochemical variation, residue mobility, and thermodynamic stability) performed at Invitae indicates that this missense variant is not expected to disrupt CHRNB1 protein function with a negative predictive value of 80%. In summary, the available evidence is currently insufficient to determine the role of this variant in disease. Therefore, it has been classified as a Variant of Uncertain Significance.

NM_000747.3(CHRNB1):c.311C>G (p.Thr104Arg)

Gene: CHRNB1 (cholinergic receptor nicotinic beta 1 subunit; plus strand). Cytogenetic location: 17p13.1.
Variant type: single nucleotide variant.
Coding change: c.311C>G on transcript NM_000747.3 (MANE Select); coding-DNA position 311, C replaced by G.
Protein change: p.Thr104Arg; replaces threonine 104 with arginine.
Molecular consequence: missense variant.
Genome position (GRCh38, 1-based): chr17:7,446,900, C>G. VCF-style: chr17-7446900-C-G. GRCh37 (hg19) VCF-style: chr17-7350219-C-G.
Other names: short protein forms T104R.
Identifiers: ClinVar variation 3694887 (VCV003694887.2).
Genomic context (GRCh38, chr17:7,446,900, plus strand): 5'-CTGACTACAGGCTGAGCTGGGACCCTGCGGAGCACGACGGCATCGATTCGCTCCGCATCA[C>G]GGCGGAATCCGTGTGGCTCCCTGACGTGGTGCTACTGAACAAGTAGGAGAACTTCCAAAG-3'
Protein context (NP_000738.2, residues 94-114): EHDGIDSLRI[Thr104Arg]AESVWLPDVV